The following is an entry in ClinVar:

NM_003072.5(SMARCA4):c.1450A>G (p.Lys484Glu)

Gene: SMARCA4 (SWI/SNF related BAF chromatin remodeling complex subunit ATPase 4; plus strand). Cytogenetic location: 19p13.2.
Variant type: single nucleotide variant.
Coding change: c.1450A>G on transcript NM_003072.5 (MANE Select); coding-DNA position 1450, A replaced by G.
Protein change: p.Lys484Glu; replaces lysine 484 with glutamic acid.
Molecular consequence: missense variant. On other transcripts: non-coding transcript variant (1).
Genome position (GRCh38, 1-based): chr19:10,994,858, A>G. VCF-style: chr19-10994858-A-G. GRCh37 (hg19) VCF-style: chr19-11105534-A-G.
Other names: c.1450A>G, p.Lys484Glu (NM_001128844.3, NM_001128845.2, NM_001128846.2 and 6 more transcripts); short protein forms K484E.
Identifiers: ClinVar variation 5009163 (VCV005009163.1).
Genomic context (GRCh38, chr19:10,994,858, plus strand): 5'-GTCAGCCTTCTCTTTTGTGCTTTCCTGCAGGAATACCTCAATAGCATTCTCCAGCATGCC[A>G]AGGATTTCAAGGAATATCACAGATCCGTCACAGGCAAAATCCAGAAGCTGACCAAGGCAG-3'
Protein context (NP_003063.2, residues 474-494): EYLNSILQHA[Lys484Glu]DFKEYHRSVT

ClinVar aggregate classification (germline): Uncertain significance (1 of 4 stars; one submission).

Submission:

GeneDx
Classification: Uncertain significance. Last evaluated: 2026-03-13. Review status: criteria provided, single submitter. Criteria: GeneDx Variant Classification Process June 2021. Collection method: clinical testing. Allele origin: germline.
Comment: Not observed at significant frequency in large population cohorts (gnomAD); In silico analysis supports that this missense variant has a deleterious effect on protein structure/function; Has not been previously published as pathogenic or benign to our knowledge; This variant is associated with the following publications: (PMID: 24658002)